The following is an entry in ClinVar:

NM_001298.3(CNGA3):c.1795G>A (p.Glu599Lys)

Gene: CNGA3 (cyclic nucleotide gated channel subunit alpha 3; plus strand). Cytogenetic location: 2q11.2.
Variant type: single nucleotide variant.
Coding change: c.1795G>A on transcript NM_001298.3 (MANE Select); coding-DNA position 1795, G replaced by A.
Protein change: p.Glu599Lys; replaces glutamic acid 599 with lysine.
Molecular consequence: missense variant.
Genome position (GRCh38, 1-based): chr2:98,396,965, G>A. VCF-style: chr2-98396965-G-A. GRCh37 (hg19) VCF-style: chr2-99013428-G-A.
Other names: c.1741G>A, p.Glu581Lys (NM_001079878.2); short protein forms E599K, E581K.
Identifiers: ClinVar variation 1392261 (VCV001392261.7), dbSNP rs376992789, ClinGen allele CA1794091.

ClinVar aggregate classification (germline): Uncertain significance. Review status: criteria provided, multiple submitters, no conflicts (2 of 4 stars). 2 submissions from 2 submitters: Uncertain significance (2). Last evaluated 2023-11-27.

Allele frequency attached by ClinVar (database versions not stated): gnomAD exomes below 0.00001 and 0.00001; ExAC 0.00002; gnomAD 0.00002; TOPMed 0.00002; ESP Exome Variant Server 0.00015.
gnomAD v4.1: 4 of 1,614,040 alleles (0.00025%); highest among the groups gnomAD compares: African/African-American, 0.004%; no homozygotes.

Submissions (2):

Labcorp Genetics (formerly Invitae), Labcorp
Classification: Uncertain significance. Last evaluated: 2023-11-27. Review status: criteria provided, single submitter. Criteria: Invitae Variant Classification Sherloc (09022015). Collection method: clinical testing. Allele origin: germline.
Comment: This sequence change replaces glutamic acid, which is acidic and polar, with lysine, which is basic and polar, at codon 599 of the CNGA3 protein (p.Glu599Lys). This variant is present in population databases (rs376992789, gnomAD 0.02%). This variant has not been reported in the literature in individuals affected with CNGA3-related conditions. ClinVar contains an entry for this variant (Variation ID: 1392261). Advanced modeling of protein sequence and biophysical properties (such as structural, functional, and spatial information, amino acid conservation, physicochemical variation, residue mobility, and thermodynamic stability) performed at Invitae indicates that this missense variant is expected to disrupt CNGA3 protein function with a positive predictive value of 95%. In summary, the available evidence is currently insufficient to determine the role of this variant in disease. Therefore, it has been classified as a Variant of Uncertain Significance.

Blueprint Genetics
Classification: Uncertain significance. Last evaluated: 2022-05-17. Review status: criteria provided, single submitter. Criteria: ACMG Guidelines, 2015. Collection method: clinical testing. Allele origin: germline.